The following is an entry in ClinVar:

ClinVar aggregate classification (germline): Benign/Likely benign. Review status: criteria provided, multiple submitters, no conflicts (2 of 4 stars). 3 submissions from 3 submitters: Benign (1); Likely benign (2). Last evaluated 2026-05-01.

Conditions:
Inborn genetic diseases. Identifiers: MedGen C0950123, MeSH D030342.

Allele frequency attached by ClinVar (database versions not stated): gnomAD exomes 0.00003 and 0.00010; ExAC 0.00011; gnomAD 0.00018 and 0.00019; 1000 Genomes Project 0.00020; TOPMed 0.00020; 1000 Genomes Project 30x 0.00031; ESP Exome Variant Server 0.00054.
gnomAD v4.1: 78 of 1,614,228 alleles (0.0048%); highest among the groups gnomAD compares: African/African-American, 0.052%; no homozygotes.

Submissions (3):

CeGaT Center for Human Genetics Tuebingen
Classification: Likely benign. Last evaluated: 2026-05-01. Review status: criteria provided, single submitter. Criteria: CeGaT Center For Human Genetics Tuebingen Variant Classification Criteria Version 2. Collection method: clinical testing. Allele origin: germline. Affected: yes. Observed: 1 variant allele.
Comment: TRIO: BS2

Ambry Genetics
Classification: Likely benign for Inborn genetic diseases. Last evaluated: 2024-08-27. Review status: criteria provided, single submitter. Criteria: Ambry Variant Classification Scheme 2023. Collection method: clinical testing. Allele origin: germline.

GeneDx
Classification: Benign. Last evaluated: 2020-08-28. Review status: criteria provided, single submitter. Criteria: GeneDx Variant Classification Process June 2021. Collection method: clinical testing. Allele origin: germline. Affected: yes.

NM_007118.4(TRIO):c.3701G>A (p.Arg1234Gln)

Gene: TRIO (trio Rho guanine nucleotide exchange factor; plus strand). Cytogenetic location: 5p15.2.
Variant type: single nucleotide variant.
Coding change: c.3701G>A on transcript NM_007118.4 (MANE Select); coding-DNA position 3701, G replaced by A.
Protein change: p.Arg1234Gln; replaces arginine 1234 with glutamine.
Molecular consequence: missense variant. On other transcripts: non-coding transcript variant (1).
Genome position (GRCh38, 1-based): chr5:14,387,568, G>A. VCF-style: chr5-14387568-G-A. GRCh37 (hg19) VCF-style: chr5-14387677-G-A.
Other names: short protein forms R1234Q.
Identifiers: ClinVar variation 1258053 (VCV001258053.5), dbSNP rs145664044, ClinGen allele CA3206251.